The following is an entry in ClinVar:

NM_001042492.3(NF1):c.1186-17_1186-7del

Gene: NF1 (neurofibromin 1; plus strand). Cytogenetic location: 17q11.2.
Variant type: Deletion.
Coding change: c.1186-17_1186-7del on transcript NM_001042492.3 (MANE Select); 17 bases into the intron before coding-DNA position 1186 through 7 bases into the intron before coding-DNA position 1186, 11 bases deleted (TTTTTCTTTTT).
Molecular consequence: intron variant.
Genome position (GRCh38, 1-based): chr17:31,201,394-31,201,404, TTTTTCTTTTT deleted; deleting any 11 consecutive bases within chr17:31,201,388-31,201,404 gives the same sequence; the c. name uses the placement nearest the transcript's 3' end. VCF-style (leftmost placement, unchanged base first): chr17-31201387-GCTTTTTTTTTT-G. GRCh37 (hg19) VCF-style: chr17-29528405-GCTTTTTTTTTT-G.
Other names: c.1186-17_1186-7del (NM_000267.4, NM_001128147.3).
Identifiers: ClinVar variation 1692317 (VCV001692317.1), dbSNP rs2143884997, ClinGen allele CA2573153573.

ClinVar aggregate classification (germline): Uncertain significance (1 of 4 stars; one submission).

Conditions:
Hereditary cancer-predisposing syndrome. Also called: Hereditary Cancer Syndrome; Hereditary neoplastic syndrome; Neoplastic Syndromes, Hereditary; Tumor predisposition. Identifiers: Orphanet 140162, MedGen C0027672, MeSH D009386, MONDO:0015356.

Submission:

Sema4
Classification: Uncertain significance for Hereditary cancer-predisposing syndrome. Last evaluated: 2021-06-16. Review status: criteria provided, single submitter. Criteria: Sema4 Curation Guidelines. Collection method: curation. Allele origin: germline.
Comment: The NF1 c.1186-17_1186-7del variant has not been reported in the literature to our knowledge. It was not observed in the large and broad cohorts of the Genome Aggregation Database (PMID: 32461654), nor has it been reported in ClinVar. In silico tools suggest the variant is not likely to affect splicing, though these predictions have not been confirmed by functional studies. The evidence is insufficient to meet ACMG/AMP criteria for classifying the variant as benign or pathogenic. Thus, the clinical significance of this variant is currently uncertain.